The following is an entry in ClinVar:

NM_018124.4(RFWD3):c.1186C>T (p.Arg396Cys)

Gene: RFWD3 (ring finger and WD repeat domain 3; minus strand). Cytogenetic location: 16q23.1.
Variant type: single nucleotide variant.
Coding change: c.1186C>T on transcript NM_018124.4 (MANE Select); coding-DNA position 1186, C replaced by T.
Protein change: p.Arg396Cys; replaces arginine 396 with cysteine.
Molecular consequence: missense variant.
Genome position (GRCh38, 1-based): chr16:74,637,864, G>A on the plus strand (C>T on the coding strand, the complement: RFWD3 is on the minus strand). VCF-style: chr16-74637864-G-A. GRCh37 (hg19) VCF-style: chr16-74671762-G-A.
Other names: c.1186C>T, p.Arg396Cys (NM_001370534.1, NM_001370535.1, NM_001370536.1); c.352C>T, p.Arg118Cys (NM_001370537.1, NM_001370539.1, NM_001370540.1 and 3 more transcripts); short protein forms R396C, R118C.
Identifiers: ClinVar variation 2906276 (VCV002906276.3), dbSNP rs781399677, ClinGen allele CA8169293.
Genomic context (GRCh38, chr16:74,637,864, plus strand): 5'-CCTCTTCCATTCCTATTCCAAAAGTTCTTTGGATTAGAAAGGACAAACGTACCTGAACAC[G>A]CCTTTGAAGCCTAGTGCACTTATCAGTGAGGACCTGCAGTTGGAGTCGGCACTGTGCTGA-3'
Protein context (NP_060594.3, residues 386-406): LTDKCTRLQR[Arg396Cys]VQDLQKLTSH

ClinVar aggregate classification (germline): Uncertain significance (1 of 4 stars; one submission).

Allele frequency attached by ClinVar (database versions not stated): ExAC 0.00001; gnomAD exomes 0.00001; TOPMed 0.00005; gnomAD 0.00007.
gnomAD v4.1: 27 of 1,610,780 alleles (0.0017%); highest among the groups gnomAD compares: African/African-American, 0.017%; no homozygotes.

Submission:

Labcorp Genetics (formerly Invitae), Labcorp
Classification: Uncertain significance. Last evaluated: 2023-04-10. Review status: criteria provided, single submitter. Criteria: Invitae Variant Classification Sherloc (09022015). Collection method: clinical testing. Allele origin: germline.
Comment: In summary, the available evidence is currently insufficient to determine the role of this variant in disease. Therefore, it has been classified as a Variant of Uncertain Significance. An algorithm developed to predict the effect of missense changes on protein structure and function (PolyPhen-2) suggests that this variant is likely to be tolerated. This variant has not been reported in the literature in individuals affected with RFWD3-related conditions. This variant is present in population databases (rs781399677, gnomAD 0.008%). This sequence change replaces arginine, which is basic and polar, with cysteine, which is neutral and slightly polar, at codon 396 of the RFWD3 protein (p.Arg396Cys).